The following is an entry in ClinVar:

NM_006516.4(SLC2A1):c.106C>A (p.Pro36Thr)

Gene: SLC2A1 (solute carrier family 2 member 1; minus strand). Cytogenetic location: 1p34.2.
Variant type: single nucleotide variant.
Coding change: c.106C>A on transcript NM_006516.4 (MANE Select); coding-DNA position 106, C replaced by A.
Protein change: p.Pro36Thr; replaces proline 36 with threonine.
Molecular consequence: missense variant.
Genome position (GRCh38, 1-based): chr1:42,943,234, G>T on the plus strand (C>A on the coding strand, the complement: SLC2A1 is on the minus strand). VCF-style: chr1-42943234-G-T. GRCh37 (hg19) VCF-style: chr1-43408905-G-T.
Other names: short protein forms P36T.
Identifiers: ClinVar variation 1712087 (VCV001712087.2), dbSNP rs2525034790, ClinGen allele CA339964745.
Genomic context (GRCh38, chr1:42,943,234, plus strand): 5'-TGTGCAACAGAGCAGGCTGGTGTCCATAAGCCAACGATGGCACAGTACTCACCTTCTGGG[G>T]GGCATTGATGACTCCAGTGTTGTAGCCAAACTGCAGGGAGCCAAGCACTGCTCCTCCCAC-3'
Protein context (NP_006507.2, residues 26-46): FGYNTGVINA[Pro36Thr]QKVIEEFYNQ

ClinVar aggregate classification (germline): Uncertain significance (1 of 4 stars; one submission).

Submission:

GeneDx
Classification: Uncertain significance. Last evaluated: 2022-04-22. Review status: criteria provided, single submitter. Criteria: GeneDx Variant Classification Process June 2021. Collection method: clinical testing. Allele origin: germline. Affected: yes.
Comment: Not observed at significant frequency in large population cohorts (gnomAD); In silico analysis supports that this missense variant has a deleterious effect on protein structure/function; Has not been previously published as pathogenic or benign to our knowledge